The following is an entry in ClinVar:

NM_000208.4(INSR):c.2245G>A (p.Gly749Ser)

Gene: INSR (insulin receptor; minus strand). Cytogenetic location: 19p13.2.
Variant type: single nucleotide variant.
Coding change: c.2245G>A on transcript NM_000208.4 (MANE Select); coding-DNA position 2245, G replaced by A.
Protein change: p.Gly749Ser; replaces glycine 749 with serine.
Molecular consequence: missense variant. On other transcripts: intron variant (1).
Genome position (GRCh38, 1-based): chr19:7,150,519, C>T on the plus strand (G>A on the coding strand, the complement: INSR is on the minus strand). VCF-style: chr19-7150519-C-T. GRCh37 (hg19) VCF-style: chr19-7150530-C-T.
Other names: c.2231+2207G>A (NM_001079817.3); short protein forms G749S.
Identifiers: ClinVar variation 330465 (VCV000330465.7), dbSNP rs545885277, ClinGen allele CA9135627.
Genomic context (GRCh38, chr19:7,150,519, plus strand): 5'-GCGGAGCAGGCACCAGGGGTCGCACAGGTGAGTCATACCTAGGGTCCTCGGCACCAGTGC[C>T]TGAAGAGGTTTTTCTGTGGAAACAAAACCAACGCCTTTGAGGACAGAGGGAACTTCATTA-3'
Protein context (NP_000199.2, residues 739-759): VVFVPRKTSS[Gly749Ser]TGAEDPRPSR

ClinVar aggregate classification (germline): Uncertain significance. Review status: criteria provided, multiple submitters, no conflicts (2 of 4 stars). 4 submissions from 2 submitters: Uncertain significance (4). Last evaluated 2023-04-25.

Conditions:
Rabson-Mendenhall syndrome. Also called: MENDENHALL SYNDROME; Pineal Hyperplasia, Insulin-Resistant Diabetes Mellitus, and Somatic Abnormalities; Pineal hyperplasia AND diabetes mellitus syndrome. Identifiers: Orphanet 769, MedGen C0271695, MONDO:0009874, OMIM 262190.
Leprechaunism syndrome. Also called: Donohue syndrome; LEPRECHAUNISM. Identifiers: Orphanet 508, MedGen C0265344, MONDO:0009517, OMIM 246200.
Insulin-resistant diabetes mellitus AND acanthosis nigricans. Also called: Insulin-resistance syndrome type A; INSULIN RECEPTOR, DEFECT IN, WITH INSULIN-RESISTANT DIABETES MELLITUS AND ACANTHOSIS NIGRICANS; IRAN, TYPE A; type A insulin resistance; DIABETES MELLITUS, INSULIN-RESISTANT, WITH ACANTHOSIS NIGRICANS, TYPE A. Identifiers: Orphanet 2297, MedGen C0342278, MONDO:0012520, OMIM 610549.

Allele frequency attached by ClinVar (database versions not stated): gnomAD below 0.00001 and 0.00003; TOPMed below 0.00001; gnomAD exomes 0.00008 and 0.00016; ExAC 0.00015; 1000 Genomes Project 30x 0.00016; 1000 Genomes Project 0.00020.
gnomAD v4.1: 117 of 1,614,178 alleles (0.0072%); highest among the groups gnomAD compares: South Asian, 0.12%; no homozygotes.

Submissions (4):

Centre of Medical Genetics, University Hospital Muenster
Classification: Uncertain significance. Last evaluated: 2023-04-25. Review status: criteria provided, single submitter. Criteria: ACMG Guidelines, 2015. Collection method: clinical testing. Allele origin: unknown. Affected: yes. Observed: 1 variant allele, 1 heterozygote.
Comment: ACMG categories: BS2

Illumina Laboratory Services, Illumina
Classification: Uncertain significance for Leprechaunism syndrome. Last evaluated: 2018-01-12. Review status: criteria provided, single submitter. Criteria: ICSL Variant Classification Criteria 13 December 2019. Collection method: clinical testing. Allele origin: germline.

Illumina Laboratory Services, Illumina
Classification: Uncertain significance for Rabson-Mendenhall syndrome. Last evaluated: 2018-01-12. Review status: criteria provided, single submitter. Criteria: ICSL Variant Classification Criteria 13 December 2019. Collection method: clinical testing. Allele origin: germline.

Illumina Laboratory Services, Illumina
Classification: Uncertain significance for Insulin-resistant diabetes mellitus AND acanthosis nigricans. Last evaluated: 2018-01-12. Review status: criteria provided, single submitter. Criteria: ICSL Variant Classification Criteria 13 December 2019. Collection method: clinical testing. Allele origin: germline.